The following is an entry in ClinVar:

NM_000525.4(KCNJ11):c.521C>A (p.Ala174Asp)

Gene: KCNJ11 (potassium inwardly rectifying channel subfamily J member 11; minus strand). Cytogenetic location: 11p15.1.
Variant type: single nucleotide variant.
Coding change: c.521C>A on transcript NM_000525.4 (MANE Select); coding-DNA position 521, C replaced by A.
Protein change: p.Ala174Asp; replaces alanine 174 with aspartic acid.
Molecular consequence: missense variant.
Genome position (GRCh38, 1-based): chr11:17,387,571, G>T on the plus strand (C>A on the coding strand, the complement: KCNJ11 is on the minus strand). VCF-style: chr11-17387571-G-T. GRCh37 (hg19) VCF-style: chr11-17409118-G-T.
Other names: c.260C>A, p.Ala87Asp (NM_001166290.2, NM_001377296.1, NM_001377297.1); short protein forms A174D, A87D.
Identifiers: ClinVar variation 1679207 (VCV001679207.6), dbSNP rs587783670, ClinGen allele CA379773062.

ClinVar aggregate classification (germline): Uncertain significance. Review status: criteria provided, multiple submitters, no conflicts (2 of 4 stars). 2 submissions from 2 submitters: Uncertain significance (2). Last evaluated 2023-11-06.

Conditions:
Neonatal hypoglycemia. Identifiers: MedGen C0158986, HP:0001998.

Allele frequency attached by ClinVar (database versions not stated): gnomAD exomes below 0.00001.

Submissions (2):

Labcorp Genetics (formerly Invitae), Labcorp
Classification: Uncertain significance. Last evaluated: 2023-11-06. Review status: criteria provided, single submitter. Criteria: Invitae Variant Classification Sherloc (09022015). Collection method: clinical testing. Allele origin: germline.
Comment: This sequence change replaces alanine, which is neutral and non-polar, with aspartic acid, which is acidic and polar, at codon 174 of the KCNJ11 protein (p.Ala174Asp). This variant is not present in population databases (gnomAD no frequency). This variant has not been reported in the literature in individuals affected with KCNJ11-related conditions. ClinVar contains an entry for this variant (Variation ID: 1679207). Advanced modeling of protein sequence and biophysical properties (such as structural, functional, and spatial information, amino acid conservation, physicochemical variation, residue mobility, and thermodynamic stability) performed at Invitae indicates that this missense variant is expected to disrupt KCNJ11 protein function with a positive predictive value of 95%. In summary, the available evidence is currently insufficient to determine the role of this variant in disease. Therefore, it has been classified as a Variant of Uncertain Significance.

Clinical Genomics, Uppaluri K&H Personalized Medicine Clinic
Classification: Uncertain significance for Neonatal hypoglycemia. Review status: criteria provided, single submitter. Criteria: K&H Uppaluri Personalized Medicine Clinic Variant Classification & Assertion Criteria. Collection method: research. Allele origin: somatic. Inheritance: Autosomal dominant inheritance.
Comment: Mutations in KCNJ11 gene can cause decreased production and secretion of insulin. This can lead to MODY which may be responsive to oral sulfonylureas. Though rs587783670 (p.A174G) was prevalent in neonatal diabetes, its significance remains inconclusive.

Literature cited by the submitters: PubMed 27223594 (cited by Clinical Genomics, Uppaluri K&H Personalized Medicine Clinic); PubMed 17635943 (cited by Clinical Genomics, Uppaluri K&H Personalized Medicine Clinic).